The following is an entry in ClinVar:

NM_003730.6(RNASET2):c.160G>A (p.Asp54Asn)

Gene: RNASET2 (ribonuclease T2; minus strand). Cytogenetic location: 6q27.
Variant type: single nucleotide variant.
Coding change: c.160G>A on transcript NM_003730.6 (MANE Select); coding-DNA position 160, G replaced by A.
Protein change: p.Asp54Asn; replaces aspartic acid 54 with asparagine.
Molecular consequence: missense variant.
Genome position (GRCh38, 1-based): chr6:166,948,613, C>T on the plus strand (G>A on the coding strand, the complement: RNASET2 is on the minus strand). VCF-style: chr6-166948613-C-T. GRCh37 (hg19) VCF-style: chr6-167362101-C-T.
Other names: short protein forms D54N.
Identifiers: ClinVar variation 2139217 (VCV002139217.4), dbSNP rs761924699, ClinGen allele CA4095154.

ClinVar aggregate classification (germline): Uncertain significance (1 of 4 stars; one submission).

Allele frequency attached by ClinVar (database versions not stated): ExAC 0.00002; gnomAD exomes 0.00002.
gnomAD v4.1: 30 of 1,592,304 alleles (0.0019%); highest among the groups gnomAD compares: Middle Eastern, 0.02%; no homozygotes.

Submission:

Labcorp Genetics (formerly Invitae), Labcorp
Classification: Uncertain significance. Last evaluated: 2022-10-17. Review status: criteria provided, single submitter. Criteria: Invitae Variant Classification Sherloc (09022015). Collection method: clinical testing. Allele origin: germline.
Comment: Algorithms developed to predict the effect of sequence changes on RNA splicing suggest that this variant may disrupt the consensus splice site. In summary, the available evidence is currently insufficient to determine the role of this variant in disease. Therefore, it has been classified as a Variant of Uncertain Significance. Advanced modeling of protein sequence and biophysical properties (such as structural, functional, and spatial information, amino acid conservation, physicochemical variation, residue mobility, and thermodynamic stability) performed at Invitae indicates that this missense variant is not expected to disrupt RNASET2 protein function. This variant has not been reported in the literature in individuals affected with RNASET2-related conditions. This variant is present in population databases (rs761924699, gnomAD 0.01%). This sequence change replaces aspartic acid, which is acidic and polar, with asparagine, which is neutral and polar, at codon 54 of the RNASET2 protein (p.Asp54Asn).